The following is an entry in ClinVar:

ClinVar aggregate classification (germline): Benign. Review status: criteria provided, multiple submitters, no conflicts (2 of 4 stars). 6 submissions from 6 submitters: Benign (5). 1 of the submissions does not count toward it. Last evaluated 2026-02-03.

Conditions:
TRAPPC12-related disorder. Also called: TRAPPC12-related condition.
Early-onset progressive encephalopathy-hearing loss-pons hypoplasia-brain atrophy syndrome. Also called: ENCEPHALOPATHY, PROGRESSIVE, EARLY-ONSET, WITH BRAIN ATROPHY AND SPASTICITY. Identifiers: Orphanet 500144, MedGen C5567229, MONDO:0044696, OMIM 617669.

Allele frequency attached by ClinVar (database versions not stated): gnomAD exomes 0.39789 and 0.40770; ExAC 0.40166; 1000 Genomes Project 30x 0.41099; TOPMed 0.41219; gnomAD 0.41325 and 0.41612; 1000 Genomes Project 0.41534; ESP Exome Variant Server 0.42996.
gnomAD v4.1: 658,504 of 1,610,612 alleles (41%); highest among the groups gnomAD compares: Middle Eastern, 51%; 136,137 homozygotes.

Submissions (6):

Labcorp Genetics (formerly Invitae), Labcorp
Classification: Benign. Last evaluated: 2026-02-03. Review status: criteria provided, single submitter. Criteria: Invitae Variant Classification Sherloc (09022015). Collection method: clinical testing. Allele origin: germline.

Blueprint Genetics
Classification: Benign. Last evaluated: 2024-11-26. Review status: criteria provided, single submitter. Criteria: ACMG Guidelines, 2015. Collection method: clinical testing. Allele origin: germline.

Genome-Nilou Lab
Classification: Benign for Early-onset progressive encephalopathy-hearing loss-pons hypoplasia-brain atrophy syndrome. Last evaluated: 2021-09-10. Review status: criteria provided, single submitter. Criteria: ACMG Guidelines, 2015. Collection method: clinical testing. Allele origin: germline. Affected: no.

GeneDx
Classification: Benign. Last evaluated: 2019-03-29. Review status: criteria provided, single submitter. Criteria: GeneDx Variant Classification Process June 2021. Collection method: clinical testing. Allele origin: germline. Affected: yes.

Breakthrough Genomics
Classification: Benign. Review status: criteria provided, single submitter. Criteria: ACMG Guidelines, 2015. Collection method: not provided. Allele origin: germline. Inheritance: Autosomal recessive inheritance. Affected: yes.

PreventionGenetics, part of Exact Sciences
Classification: Benign for TRAPPC12-related condition. Last evaluated: 2019-10-16. Review status: no assertion criteria provided. Collection method: clinical testing. Allele origin: germline. Not counted in ClinVar's aggregate classification.
Comment: This variant is classified as benign based on ACMG/AMP sequence variant interpretation guidelines (Richards et al. 2015 PMID: 25741868, with internal and published modifications).

NM_016030.6(TRAPPC12):c.1773G>C (p.Leu591=)

Gene: TRAPPC12 (trafficking protein particle complex subunit 12; plus strand). Cytogenetic location: 2p25.3.
Variant type: single nucleotide variant.
Coding change: c.1773G>C on transcript NM_016030.6 (MANE Select); coding-DNA position 1773, G replaced by C.
Protein change: p.Leu591=; no amino-acid change (leucine 591 retained).
Molecular consequence: synonymous variant.
Genome position (GRCh38, 1-based): chr2:3,465,692, G>C. VCF-style: chr2-3465692-G-C. GRCh37 (hg19) VCF-style: chr2-3469463-G-C.
Other names: c.1773G>C, p.Leu591= (NM_001321102.2).
Identifiers: ClinVar variation 1288076 (VCV001288076.16), dbSNP rs4971514, ClinGen allele CA1515620.